The following is an entry in ClinVar:

NM_000350.3(ABCA4):c.5453del (p.Asn1818fs)

Gene: ABCA4 (ATP binding cassette subfamily A member 4; minus strand). Cytogenetic location: 1p22.1.
Variant type: Deletion.
Coding change: c.5453del on transcript NM_000350.3 (MANE Select); coding-DNA position 5453, one base deleted (A; older notation c.5453delA).
Protein change: p.Asn1818fs; shifts the reading frame from asparagine 1818.
Molecular consequence: frameshift variant.
Genome position (GRCh38, 1-based): chr1:94,014,550, T deleted on the plus strand (A on the coding strand, the reverse complement: ABCA4 is on the minus strand); the first of 2 consecutive T bases (chr1:94,014,550-94,014,551); deleting either gives the same sequence. VCF-style (leftmost placement, unchanged base first): chr1-94014549-AT-A. GRCh37 (hg19) VCF-style: chr1-94480105-AT-A.
Other names: c.5230delA, p.Asn1744Ilefs (NM_001425324.1); short protein forms N1818fs.
Identifiers: ClinVar variation 1458432 (VCV001458432.10), dbSNP rs2101013633, ClinGen allele CA2573132676.
Genomic context (GRCh38, chr1:94,014,549, plus strand): 5'-ACATACTCTACTATCCTACTAATCAAACAAAAAAGCCAAGAAAGTTATGCTCACCCGGTT[AT>A]TCTCAAATAATTCCAAGATGAAGGTAATAGCACTGCTGTTGATGCCGATGAACAGATTAG-3'

ClinVar aggregate classification (germline): Pathogenic/Likely pathogenic. Review status: criteria provided, multiple submitters, no conflicts (2 of 4 stars). 3 submissions from 3 submitters: Pathogenic (2); Likely pathogenic (1). Last evaluated 2022-03-07.

Conditions:
Severe early-childhood-onset retinal dystrophy (STGD1). Also called: STGD; Stargardt macular dystrophy; Juvenile onset macular degeneration; Stargardt disease 1; MACULAR DYSTROPHY WITH FLECKS, TYPE 1. Identifiers: Orphanet 364055, Orphanet 827, MedGen C1855465, MeSH D000080362, MONDO:0009549, OMIM 248200.
ABCA4-related disorder. Also called: ABCA4-related disorders; ABCA4-related condition. Identifiers: MedGen CN239167.

Submissions (3):

MGZ Medical Genetics Center
Classification: Likely pathogenic for Severe early-childhood-onset retinal dystrophy. Last evaluated: 2022-03-07. Review status: criteria provided, single submitter. Criteria: ACMG Guidelines, 2015. Collection method: clinical testing. Allele origin: germline. Affected: yes. Observed: 2 variant alleles.
Comment: ACMG criteria applied: PVS1, PM2_SUP

Blueprint Genetics
Classification: Pathogenic for ABCA4-related disorders. Last evaluated: 2021-09-14. Review status: criteria provided, single submitter. Criteria: ACMG Guidelines, 2015. Collection method: clinical testing. Allele origin: germline. Affected: yes. Observed: 5 variant alleles.

Labcorp Genetics (formerly Invitae), Labcorp
Classification: Pathogenic. Last evaluated: 2021-09-03. Review status: criteria provided, single submitter. Criteria: Invitae Variant Classification Sherloc (09022015). Collection method: clinical testing. Allele origin: germline.
Comment: For these reasons, this variant has been classified as Pathogenic. This premature translational stop signal has been observed in individual(s) with Stargardt disease (PMID: 31212395). This variant is not present in population databases (ExAC no frequency). This sequence change creates a premature translational stop signal (p.Asn1818Ilefs*12) in the ABCA4 gene. It is expected to result in an absent or disrupted protein product. Loss-of-function variants in ABCA4 are known to be pathogenic (PMID: 10958761, 24938718, 25312043, 26780318).

Literature cited by the submitters: PubMed 31212395 (cited by Labcorp Genetics (formerly Invitae), Labcorp); PubMed 10958761 (cited by Labcorp Genetics (formerly Invitae), Labcorp); PubMed 24938718 (cited by Labcorp Genetics (formerly Invitae), Labcorp); PubMed 25312043 (cited by Labcorp Genetics (formerly Invitae), Labcorp); PubMed 26780318 (cited by Labcorp Genetics (formerly Invitae), Labcorp).